The following is an entry in ClinVar:

NM_024915.4(GRHL2):c.216+8C>T

Gene: GRHL2 (grainyhead like transcription factor 2; plus strand). Cytogenetic location: 8q22.3.
Variant type: single nucleotide variant.
Coding change: c.216+8C>T on transcript NM_024915.4 (MANE Select); 8 bases into the intron after coding-DNA position 216, C replaced by T.
Molecular consequence: intron variant.
Genome position (GRCh38, 1-based): chr8:101,543,444, C>T. VCF-style: chr8-101543444-C-T. GRCh37 (hg19) VCF-style: chr8-102555672-C-T.
Other names: c.168+8C>T (NM_001330593.2).
Identifiers: ClinVar variation 178377 (VCV000178377.5), dbSNP rs376505205, ClinGen allele CA182214.

ClinVar aggregate classification (germline): Likely benign. Review status: criteria provided, multiple submitters, no conflicts (2 of 4 stars). 2 submissions from 2 submitters: Likely benign (2). Last evaluated 2025-10-21.

Allele frequency attached by ClinVar (database versions not stated): gnomAD exomes 0.00001 and 0.00003; ExAC 0.00003; gnomAD 0.00007; TOPMed 0.00011; ESP Exome Variant Server 0.00023.
gnomAD v4.1: 24 of 1,613,200 alleles (0.0015%); highest among the groups gnomAD compares: African/African-American, 0.02%; no homozygotes.

Submissions (2):

Labcorp Genetics (formerly Invitae), Labcorp
Classification: Likely benign. Last evaluated: 2025-10-21. Review status: criteria provided, single submitter. Criteria: Invitae Variant Classification Sherloc (09022015). Collection method: clinical testing. Allele origin: germline.

Laboratory for Molecular Medicine, Mass General Brigham Personalized Medicine
Classification: Likely benign. Last evaluated: 2012-04-30. Review status: criteria provided, single submitter. Criteria: LMM Criteria. Collection method: clinical testing. Allele origin: germline. Observed: 1 variant allele.
Comment: 216+8C>T in Intron 02 of GRHL2: This variant is not expected to have clinical si gnificance because it is not located within the conserved splice consensus seque nce and has been identified in 0.1% (3/3738) of African American chromosomes fro m a broad population by the NHLBI Exome Sequencing Project.